The following is an entry in ClinVar:

NM_001377.3(DYNC2H1):c.2636T>C (p.Val879Ala)

Gene: DYNC2H1 (dynein cytoplasmic 2 heavy chain 1; plus strand). Cytogenetic location: 11q22.3.
Variant type: single nucleotide variant.
Coding change: c.2636T>C on transcript NM_001377.3 (MANE Select); coding-DNA position 2636, T replaced by C.
Protein change: p.Val879Ala; replaces valine 879 with alanine.
Molecular consequence: missense variant.
Genome position (GRCh38, 1-based): chr11:103,143,329, T>C. VCF-style: chr11-103143329-T-C. GRCh37 (hg19) VCF-style: chr11-103014058-T-C.
Other names: c.2636T>C (NM_001080463.1); c.2636T>C, p.Val879Ala (NM_001080463.2); short protein forms V879A.
Identifiers: ClinVar variation 2005794 (VCV002005794.6), dbSNP rs1454939015, ClinGen allele CA382263649.

ClinVar aggregate classification (germline): Uncertain significance. Review status: criteria provided, single submitter (1 of 4 stars). 2 submissions from 2 submitters: Uncertain significance (1). 1 of the submissions does not count toward it. Last evaluated 2023-10-13.

Conditions:
DYNC2H1-related disorder. Also called: DYNC2H1-related disorders; DYNC2H1-related condition. Identifiers: MedGen CN378770.
Jeune thoracic dystrophy. Also called: Jeune syndrome; Infantile thoracic dystrophy; Thoracic pelvic phalangeal dystrophy; Jeune's syndrome; Chondroectodermal dysplasia-like syndrome; Short-rib thoracic dysplasia. Identifiers: Orphanet 474, MedGen C0265275, MONDO:0018770.

Allele frequency attached by ClinVar (database versions not stated): gnomAD 0.00001; gnomAD exomes 0.00002.

Submissions (2):

Labcorp Genetics (formerly Invitae), Labcorp
Classification: Uncertain significance for Jeune thoracic dystrophy. Last evaluated: 2023-10-13. Review status: criteria provided, single submitter. Criteria: Invitae Variant Classification Sherloc (09022015). Collection method: clinical testing. Allele origin: germline.
Comment: This sequence change replaces valine, which is neutral and non-polar, with alanine, which is neutral and non-polar, at codon 879 of the DYNC2H1 protein (p.Val879Ala). This variant is present in population databases (no rsID available, gnomAD 0.01%). This variant has not been reported in the literature in individuals affected with DYNC2H1-related conditions. ClinVar contains an entry for this variant (Variation ID: 2005794). Advanced modeling of protein sequence and biophysical properties (such as structural, functional, and spatial information, amino acid conservation, physicochemical variation, residue mobility, and thermodynamic stability) performed at Invitae indicates that this missense variant is not expected to disrupt DYNC2H1 protein function. In summary, the available evidence is currently insufficient to determine the role of this variant in disease. Therefore, it has been classified as a Variant of Uncertain Significance.

PreventionGenetics, part of Exact Sciences
Classification: Uncertain significance for DYNC2H1-related condition. Last evaluated: 2023-11-16. Review status: no assertion criteria provided. Collection method: clinical testing. Allele origin: germline. Not counted in ClinVar's aggregate classification.
Comment: The DYNC2H1 c.2636T>C variant is predicted to result in the amino acid substitution p.Val879Ala. To our knowledge, this variant has not been reported in the literature. This variant is reported in 0.013% of alleles in individuals of South Asian descent in gnomAD. At this time, the clinical significance of this variant is uncertain due to the absence of conclusive functional and genetic evidence.